The following is an entry in ClinVar:

NM_022168.4(IFIH1):c.2761C>T (p.His921Tyr)

Gene: IFIH1 (interferon induced with helicase C domain 1; minus strand). Cytogenetic location: 2q24.2.
Variant type: single nucleotide variant.
Coding change: c.2761C>T on transcript NM_022168.4 (MANE Select); coding-DNA position 2761, C replaced by T.
Protein change: p.His921Tyr; replaces histidine 921 with tyrosine.
Molecular consequence: missense variant.
Genome position (GRCh38, 1-based): chr2:162,268,133, G>A on the plus strand (C>T on the coding strand, the complement: IFIH1 is on the minus strand). VCF-style: chr2-162268133-G-A. GRCh37 (hg19) VCF-style: chr2-163124643-G-A.
Other names: short protein forms H921Y.
Identifiers: ClinVar variation 863672 (VCV000863672.9), dbSNP rs1291159972, ClinGen allele CA348990774.

ClinVar aggregate classification (germline): Uncertain significance (1 of 4 stars; one submission).

Conditions:
Singleton-Merten syndrome 1 (SGMRT1). Also called: Widened medullary cavities of bone, aortic calcification, abnormal dentition, and muscular weakness; Syndrome of widened medullary cavities of the metacarpals and phalanges, aortic calcification and abnormal dentition. Identifiers: Orphanet 85191, MedGen C4225427, MONDO:0024535, OMIM 182250.
Aicardi-Goutieres syndrome 7 (AGS7). Identifiers: Orphanet 51, MedGen C3888244, MONDO:0014367, OMIM 615846.

Allele frequency attached by ClinVar (database versions not stated): gnomAD 0.00001.
gnomAD v4.1: 1 of 1,610,522 alleles (0.000062%); highest among the groups gnomAD compares: African/African-American, 0.0013%; no homozygotes.

Submission:

Labcorp Genetics (formerly Invitae), Labcorp
Classification: Uncertain significance for Aicardi-Goutieres syndrome 7; Singleton-Merten syndrome 1. Last evaluated: 2022-04-18. Review status: criteria provided, single submitter. Criteria: Invitae Variant Classification Sherloc (09022015). Collection method: clinical testing. Allele origin: germline.
Comment: This variant is present in population databases (no rsID available, gnomAD 0.01%). This sequence change replaces histidine, which is basic and polar, with tyrosine, which is neutral and polar, at codon 921 of the IFIH1 protein (p.His921Tyr). In summary, the available evidence is currently insufficient to determine the role of this variant in disease. Therefore, it has been classified as a Variant of Uncertain Significance. Algorithms developed to predict the effect of missense changes on protein structure and function output the following: SIFT: "Tolerated"; PolyPhen-2: "Benign"; Align-GVGD: "Class C0". The tyrosine amino acid residue is found in multiple mammalian species, which suggests that this missense change does not adversely affect protein function. ClinVar contains an entry for this variant (Variation ID: 863672). This variant has not been reported in the literature in individuals affected with IFIH1-related conditions.